The following is an entry in ClinVar:

NM_003282.4(TNNI2):c.481T>G (p.Trp161Gly)

Gene: TNNI2 (troponin I2, fast skeletal type; plus strand). Cytogenetic location: 11p15.5.
Variant type: single nucleotide variant.
Coding change: c.481T>G on transcript NM_003282.4 (MANE Select); coding-DNA position 481, T replaced by G.
Protein change: p.Trp161Gly; replaces tryptophan 161 with glycine.
Molecular consequence: missense variant.
Genome position (GRCh38, 1-based): chr11:1,841,483, T>G. VCF-style: chr11-1841483-T-G. GRCh37 (hg19) VCF-style: chr11-1862713-T-G.
Other names: c.481T>G, p.Trp161Gly (NM_001145829.2, NM_001145841.2); short protein forms W161G.
Identifiers: ClinVar variation 4865778 (VCV004865778.1).

ClinVar aggregate classification (germline): Likely pathogenic (1 of 4 stars; one submission).

Conditions:
Inborn genetic diseases. Identifiers: MedGen C0950123, MeSH D030342.

Submission:

Ambry Genetics
Classification: Likely pathogenic for Inborn genetic diseases. Last evaluated: 2026-05-20. Review status: criteria provided, single submitter. Criteria: Ambry Variant Classification Scheme 2023. Collection method: clinical testing. Allele origin: germline.
Comment: The c.481T>G (p.W161G) alteration is located in exon 8 (coding exon 7) of the TNNI2 gene. This alteration results from a T to G substitution at nucleotide position 481, causing the tryptophan (W) at amino acid position 161 to be replaced by a glycine (G). This variant was not reported in population-based cohorts in the Genome Aggregation Database (gnomAD). This amino acid position is well conserved in available vertebrate species. This alteration is predicted to be deleterious by in silico analysis. Based on the available evidence, this alteration is classified as likely pathogenic.